The following is an entry in ClinVar:

NM_000260.4(MYO7A):c.1555-1G>C

Gene: MYO7A (myosin VIIA; plus strand). Cytogenetic location: 11q13.5.
Variant type: single nucleotide variant.
Coding change: c.1555-1G>C on transcript NM_000260.4 (MANE Select); the canonical splice acceptor site of the intron before coding-DNA position 1555, G replaced by C.
Molecular consequence: splice acceptor variant.
Genome position (GRCh38, 1-based): chr11:77,162,852, G>C. VCF-style: chr11-77162852-G-C. GRCh37 (hg19) VCF-style: chr11-76873898-G-C.
Other names: c.1522-1G>C (NM_001369365.1); c.1555-1G>C (NM_001127180.2, NM_000260.3).
Identifiers: ClinVar variation 2137202 (VCV002137202.6), dbSNP rs2135310334, ClinGen allele CA381935910.
Genomic context (GRCh38, chr11:77,162,852, plus strand): 5'-GGGAGGGGAGTGGGGCCCATGGAGGAGAGGGTGGGCTCACAGCTGCCCCTCCACTCCCCA[G>C]GGCACAGACACCACCATGTTACACAAGCTGAACTCCCAGCACAAGCTCAACGCCAACTAC-3'

ClinVar aggregate classification (germline): Pathogenic/Likely pathogenic. Review status: criteria provided, multiple submitters, no conflicts (2 of 4 stars). 3 submissions from 3 submitters: Pathogenic (2); Likely pathogenic (1). Last evaluated 2024-03-15.

Conditions:
Usher syndrome type 1B (USH1B). Also called: Usher syndrome type IB. Identifiers: MedGen C1848638, MONDO:0700087.
MYO7A-related disorder. Also called: MYO7A-related disorders.

Allele frequency attached by ClinVar (database versions not stated): gnomAD exomes below 0.00001.
gnomAD v4.1: 5 of 1,613,340 alleles (0.00031%); highest among the groups gnomAD compares: Non-Finnish European, 0.00034%; no homozygotes.

Submissions (3):

Natera, Inc.
Classification: Pathogenic for Usher syndrome type 1B. Last evaluated: 2024-03-15. Review status: criteria provided, single submitter. Criteria: Natera Variant Classification Schema (03/2026). Collection method: clinical testing. Allele origin: germline.
Comment: The c.1555-1G>C variant in MYO7A is a canonical splice acceptor site variant predicted to affect pre-mRNA splicing, which may result in an abnormal transcript and altered protein product. This variant is expected to result in nonsense mediated decay, truncation, or a dysfunctional protein product. This variant is rare in the general population with a frequency below the threshold expected for the associated phenotype(s). This variant has been observed in one or more individuals affected with the associated recessive disease, as either homozygous or compound heterozygous with a second variant (PMID: 25468891). Given the available evidence, this variant is classified as Pathogenic.

Blueprint Genetics
Classification: Likely pathogenic for MYO7A-related disorders. Last evaluated: 2023-11-16. Review status: criteria provided, single submitter. Criteria: ACMG Guidelines, 2015. Collection method: clinical testing. Allele origin: germline. Affected: yes. Observed: 2 variant alleles.

Labcorp Genetics (formerly Invitae), Labcorp
Classification: Pathogenic. Last evaluated: 2022-03-15. Review status: criteria provided, single submitter. Criteria: Invitae Variant Classification Sherloc (09022015). Collection method: clinical testing. Allele origin: germline.
Comment: For these reasons, this variant has been classified as Pathogenic. Algorithms developed to predict the effect of sequence changes on RNA splicing suggest that this variant may disrupt the consensus splice site. This variant is also known as IVS13-1G>C. Disruption of this splice site has been observed in individual(s) with autosomal recessive MYO7A-related conditions (PMID: 10930322; Invitae). In at least one individual the data is consistent with being in trans (on the opposite chromosome) from a pathogenic variant. This variant is not present in population databases (gnomAD no frequency). This sequence change affects an acceptor splice site in intron 13 of the MYO7A gene. It is expected to disrupt RNA splicing. Variants that disrupt the donor or acceptor splice site typically lead to a loss of protein function (PMID: 16199547), and loss-of-function variants in MYO7A are known to be pathogenic (PMID: 8900236, 25404053).

Literature cited by the submitters: PubMed 25468891 (cited by Natera, Inc.); PubMed 10930322 (cited by Labcorp Genetics (formerly Invitae), Labcorp); PubMed 16199547 (cited by Labcorp Genetics (formerly Invitae), Labcorp); PubMed 8900236 (cited by Labcorp Genetics (formerly Invitae), Labcorp); PubMed 25404053 (cited by Labcorp Genetics (formerly Invitae), Labcorp).